The following is an entry in ClinVar:

ClinVar aggregate classification (germline): Uncertain significance (1 of 4 stars; one submission).

Conditions:
Hereditary sensory and autonomic neuropathy type 6. Also called: HSAN VI; Neuropathy, hereditary sensory and autonomic, type VI. Identifiers: Orphanet 314381, MedGen C3539003, MONDO:0013839, OMIM 614653.
Epidermolysis bullosa simplex 3, localized or generalized intermediate, with BP230 deficiency (EBS3). Also called: Epidermolysis bullosa simplex, autosomal recessive 2; Epidermolysis bullosa simplex due to BP230 deficiency. Identifiers: Orphanet 412181, MedGen C3809470, MONDO:0014180, OMIM 615425.

Allele frequency attached by ClinVar (database versions not stated): gnomAD exomes below 0.00001; TOPMed 0.00001.
gnomAD v4.1: 5 of 1,612,446 alleles (0.00031%); highest among the groups gnomAD compares: Admixed American, 0.0017%; no homozygotes.

Submission:

Labcorp Genetics (formerly Invitae), Labcorp
Classification: Uncertain significance for Epidermolysis bullosa simplex 3, localized or generalized intermediate, with BP230 deficiency; Hereditary sensory and autonomic neuropathy type 6. Last evaluated: 2022-02-12. Review status: criteria provided, single submitter. Criteria: Invitae Variant Classification Sherloc (09022015). Collection method: clinical testing. Allele origin: germline.
Comment: The DST gene has multiple clinically relevant transcripts. This variant occurs in alternate transcript NM_015548.4, and corresponds to NM_001723.5:c.*16943G>A in the primary transcript. In summary, the available evidence is currently insufficient to determine the role of this variant in disease. Therefore, it has been classified as a Variant of Uncertain Significance. Experimental studies and prediction algorithms are not available or were not evaluated, and the functional significance of this variant is currently unknown. This variant has not been reported in the literature in individuals affected with DST-related conditions. This variant is present in population databases (no rsID available, gnomAD 0.003%). This sequence change replaces alanine, which is neutral and non-polar, with threonine, which is neutral and polar, at codon 1321 of the DST protein (p.Ala1321Thr).

NM_001374736.1(DST):c.11830G>A (p.Ala3944Thr)

Gene: DST (dystonin; minus strand). Cytogenetic location: 6p12.1.
Variant type: single nucleotide variant.
Coding change: c.11830G>A on transcript NM_001374736.1 (MANE Select); coding-DNA position 11830, G replaced by A.
Protein change: p.Ala3944Thr; replaces alanine 3944 with threonine.
Molecular consequence: missense variant.
Genome position (GRCh38, 1-based): chr6:56,598,574, C>T on the plus strand (G>A on the coding strand, the complement: DST is on the minus strand). VCF-style: chr6-56598574-C-T. GRCh37 (hg19) VCF-style: chr6-56463372-C-T.
Other names: c.5473G>A, p.Ala1825Thr (NM_001144769.5); c.5059G>A, p.Ala1687Thr (NM_001144770.2); c.11830G>A, p.Ala3944Thr (NM_001374722.1); c.11197G>A, p.Ala3733Thr (NM_001374729.1); c.4939G>A, p.Ala1647Thr (NM_001374730.1, NM_001386100.1, NM_183380.4); c.11857G>A, p.Ala3953Thr (NM_001374734.1); c.3961G>A, p.Ala1321Thr (NM_015548.5); short protein forms A3944T, A3953T, A1321T, A1687T, A1825T, A1647T, A3733T.
Identifiers: ClinVar variation 1910365 (VCV001910365.3), dbSNP rs1174512042, ClinGen allele CA364529110.